The following is an entry in ClinVar:

ClinVar aggregate classification (germline): Pathogenic (1 of 4 stars; one submission).

Conditions:
Neurofibromatosis, type 1 (NF1). Also called: Neurofibromatosis, type I; NEUROFIBROMATOSIS, TYPE I, SOMATIC; Peripheral type neurofibromatosis; VON RECKLINGHAUSEN DISEASE. Identifiers: Orphanet 636, MedGen C0027831, MONDO:0018975, OMIM 162200. Disease mechanism: loss of function.

Submission:

Labcorp Genetics (formerly Invitae), Labcorp
Classification: Pathogenic for Neurofibromatosis, type 1. Last evaluated: 2022-12-13. Review status: criteria provided, single submitter. Criteria: Invitae Variant Classification Sherloc (09022015). Collection method: clinical testing. Allele origin: germline.
Comment: For these reasons, this variant has been classified as Pathogenic. This variant has not been reported in the literature in individuals affected with NF1-related conditions. This variant is not present in population databases (gnomAD no frequency). This sequence change creates a premature translational stop signal (p.Lys2531Argfs*18) in the NF1 gene. It is expected to result in an absent or disrupted protein product. Loss-of-function variants in NF1 are known to be pathogenic (PMID: 10712197, 23913538).

Literature cited by the submitters: PubMed 10712197; PubMed 23913538.

NM_001042492.3(NF1):c.7655del (p.Lys2552fs)

Gene: NF1 (neurofibromin 1; plus strand). Cytogenetic location: 17q11.2.
Variant type: Deletion.
Coding change: c.7655del on transcript NM_001042492.3 (MANE Select); coding-DNA position 7655, one base deleted (A; older notation c.7655delA).
Protein change: p.Lys2552fs; shifts the reading frame from lysine 2552.
Molecular consequence: frameshift variant.
Genome position (GRCh38, 1-based): chr17:31,356,499, A deleted; the last of 3 consecutive A bases (chr17:31,356,497-31,356,499); deleting any one gives the same sequence. VCF-style (leftmost placement, unchanged base first): chr17-31356496-CA-C. GRCh37 (hg19) VCF-style: chr17-29683514-CA-C.
Other names: c.7592delA, p.Lys2531Argfs (NM_000267.4); short protein forms K2552fs, K2531fs.
Identifiers: ClinVar variation 2726027 (VCV002726027.3), dbSNP rs2508823930, ClinGen allele CA2697559635.